The following is an entry in ClinVar:

NM_004855.5(PIGB):c.1062G>C (p.Met354Ile)

Gene: PIGB (phosphatidylinositol glycan anchor biosynthesis class B; plus strand). Cytogenetic location: 15q21.3.
Variant type: single nucleotide variant.
Coding change: c.1062G>C on transcript NM_004855.5 (MANE Select); coding-DNA position 1062, G replaced by C.
Protein change: p.Met354Ile; replaces methionine 354 with isoleucine.
Molecular consequence: missense variant.
Genome position (GRCh38, 1-based): chr15:55,341,741, G>C. VCF-style: chr15-55341741-G-C. GRCh37 (hg19) VCF-style: chr15-55633939-G-C.
Other names: short protein forms M354I.
Identifiers: ClinVar variation 1494854 (VCV001494854.6), dbSNP rs2141202079, ClinGen allele CA392543239.

ClinVar aggregate classification (germline): Uncertain significance (1 of 4 stars; one submission).

Allele frequency attached by ClinVar (database versions not stated): gnomAD exomes below 0.00001.
gnomAD v4.1: 2 of 1,407,430 alleles (0.00014%); highest among the groups gnomAD compares: Non-Finnish European, 0.00019%; no homozygotes.

Submission:

Labcorp Genetics (formerly Invitae), Labcorp
Classification: Uncertain significance. Last evaluated: 2024-04-17. Review status: criteria provided, single submitter. Criteria: Invitae Variant Classification Sherloc (09022015). Collection method: clinical testing. Allele origin: germline.
Comment: This sequence change replaces methionine, which is neutral and non-polar, with isoleucine, which is neutral and non-polar, at codon 354 of the PIGB protein (p.Met354Ile). This variant is not present in population databases (gnomAD no frequency). This variant has not been reported in the literature in individuals affected with PIGB-related conditions. ClinVar contains an entry for this variant (Variation ID: 1494854). Advanced modeling of protein sequence and biophysical properties (such as structural, functional, and spatial information, amino acid conservation, physicochemical variation, residue mobility, and thermodynamic stability) performed at Invitae indicates that this missense variant is not expected to disrupt PIGB protein function with a negative predictive value of 80%. In summary, the available evidence is currently insufficient to determine the role of this variant in disease. Therefore, it has been classified as a Variant of Uncertain Significance.